The following is an entry in ClinVar:

NM_004064.5(CDKN1B):c.587G>A (p.Arg196His)

Gene: CDKN1B (cyclin dependent kinase inhibitor 1B; plus strand). Cytogenetic location: 12p13.1.
Variant type: single nucleotide variant.
Coding change: c.587G>A on transcript NM_004064.5 (MANE Select); coding-DNA position 587, G replaced by A.
Protein change: p.Arg196His; replaces arginine 196 with histidine.
Molecular consequence: missense variant.
Genome position (GRCh38, 1-based): chr12:12,718,936, G>A. VCF-style: chr12-12718936-G-A. GRCh37 (hg19) VCF-style: chr12-12871870-G-A.
Other names: c.587G>A (NM_004064.3); short protein forms R196H.
Identifiers: ClinVar variation 1383013 (VCV001383013.9), dbSNP rs112962540, ClinGen allele CA233061780.

ClinVar aggregate classification (germline): Uncertain significance. Review status: criteria provided, multiple submitters, no conflicts (2 of 4 stars). 2 submissions from 2 submitters: Uncertain significance (2). Last evaluated 2025-08-06.

Conditions:
Hereditary cancer-predisposing syndrome. Also called: Tumor predisposition; Hereditary neoplastic syndrome; Neoplastic Syndromes, Hereditary; Hereditary Cancer Syndrome. Identifiers: Orphanet 140162, MedGen C0027672, MeSH D009386, MONDO:0015356.
Multiple endocrine neoplasia type 4. Also called: MULTIPLE ENDOCRINE NEOPLASIA, TYPE IV. Identifiers: Orphanet 276152, MedGen C1970712, MONDO:0012552, OMIM 610755.

Submissions (2):

Labcorp Genetics (formerly Invitae), Labcorp
Classification: Uncertain significance for Multiple endocrine neoplasia type 4. Last evaluated: 2025-08-06. Review status: criteria provided, single submitter. Criteria: Invitae Variant Classification Sherloc (09022015). Collection method: clinical testing. Allele origin: germline.
Comment: This sequence change replaces arginine, which is basic and polar, with histidine, which is basic and polar, at codon 196 of the CDKN1B protein (p.Arg196His). This variant is not present in population databases (gnomAD no frequency). This variant has not been reported in the literature in individuals affected with CDKN1B-related conditions. ClinVar contains an entry for this variant (Variation ID: 1383013). An algorithm developed to predict the effect of missense changes on protein structure and function outputs the following: PolyPhen-2: "Benign". The histidine amino acid residue is found in multiple mammalian species, which suggests that this missense change does not adversely affect protein function. In summary, the available evidence is currently insufficient to determine the role of this variant in disease. Therefore, it has been classified as a Variant of Uncertain Significance.

Ambry Genetics
Classification: Uncertain significance for Hereditary cancer-predisposing syndrome. Last evaluated: 2025-03-26. Review status: criteria provided, single submitter. Criteria: Ambry Variant Classification Scheme 2023. Collection method: clinical testing. Allele origin: germline.
Comment: The p.R196H variant (also known as c.587G>A), located in coding exon 2 of the CDKN1B gene, results from a G to A substitution at nucleotide position 587. The arginine at codon 196 is replaced by histidine, an amino acid with highly similar properties. This amino acid position is conserved. In addition, this alteration is predicted to be tolerated by in silico analysis. Based on the available evidence, the clinical significance of this variant remains unclear.